The following is an entry in ClinVar:

ClinVar aggregate classification (germline): Pathogenic (1 of 4 stars; one submission).

Conditions:
Inborn genetic diseases. Identifiers: MedGen C0950123, MeSH D030342.

Submission:

Ambry Genetics
Classification: Pathogenic for Inborn genetic diseases. Last evaluated: 2025-09-11. Review status: criteria provided, single submitter. Criteria: Ambry Variant Classification Scheme 2023. Collection method: clinical testing. Allele origin: germline.
Comment: The c.1204C>T (p.Q402*) alteration, located in exon 12 (coding exon 12) of the MAP4K4 gene, consists of a C to T substitution at nucleotide position 1204. This changes the amino acid from a glutamine (Q) to a stop codon at amino acid position 402. This alteration is expected to result in loss of function by premature protein truncation or nonsense-mediated mRNA decay. This variant was not reported in population-based cohorts in the Genome Aggregation Database (gnomAD). Based on the available evidence, this alteration is classified as pathogenic.

NM_001395002.1(MAP4K4):c.1204C>T (p.Gln402Ter)

Gene: MAP4K4 (mitogen-activated protein kinase kinase kinase kinase 4; plus strand). Cytogenetic location: 2q11.2.
Variant type: single nucleotide variant.
Coding change: c.1204C>T on transcript NM_001395002.1 (MANE Select); coding-DNA position 1204, C replaced by T.
Protein change: p.Gln402Ter; replaces glutamine 402 with a stop codon.
Molecular consequence: nonsense. On other transcripts: non-coding transcript variant (4).
Genome position (GRCh38, 1-based): chr2:101,844,282, C>T. VCF-style: chr2-101844282-C-T. GRCh37 (hg19) VCF-style: chr2-102460744-C-T.
Other names: c.1177C>T, p.Gln393Ter (NM_001384567.1, NM_001384572.1, NM_001384579.1 and 16 more transcripts); c.1204C>T, p.Gln402Ter (NM_004834.5, NM_145686.4, NM_145687.4 and 28 more transcripts); short protein forms Q393*, Q402*.
Identifiers: ClinVar variation 4103562 (VCV004103562.1).
Genomic context (GRCh38, chr2:101,844,282, plus strand): 5'-CGGGAGCAGGAAGAATATAAAAGGCAACTGCTGGCAGAGAGACAGAAGCGGATTGAGCAG[C>T]AGAAAGAACAGAGGCGACGGCTAGAAGAGGTAGCAAAAGGAAAATGTCCAAGTTGGTTGG-3'